The following is an entry in ClinVar:

ClinVar aggregate classification (germline): Uncertain significance (1 of 4 stars; one submission).

Submission:

Labcorp Genetics (formerly Invitae), Labcorp
Classification: Uncertain significance. Last evaluated: 2023-08-01. Review status: criteria provided, single submitter. Criteria: Invitae Variant Classification Sherloc (09022015). Collection method: clinical testing. Allele origin: germline.
Comment: Experimental studies and prediction algorithms are not available or were not evaluated, and the functional significance of this variant is currently unknown. In summary, the available evidence is currently insufficient to determine the role of this variant in disease. Therefore, it has been classified as a Variant of Uncertain Significance. This variant has not been reported in the literature in individuals affected with DSCAML1-related conditions. This variant is not present in population databases (gnomAD no frequency). This sequence change replaces glycine, which is neutral and non-polar, with aspartic acid, which is acidic and polar, at codon 41 of the DSCAML1 protein (p.Gly41Asp).

NM_020693.4(DSCAML1):c.-59G>A

Gene: DSCAML1 (DS cell adhesion molecule like 1; minus strand). Cytogenetic location: 11q23.3.
Variant type: single nucleotide variant.
Coding change: c.-59G>A on transcript NM_020693.4 (MANE Select); 59 bases upstream of the start codon, G replaced by A.
Molecular consequence: 5 prime UTR variant. On other transcripts: intron variant (1).
Genome position (GRCh38, 1-based): chr11:117,797,138, C>T on the plus strand (G>A on the coding strand, the complement: DSCAML1 is on the minus strand). VCF-style: chr11-117797138-C-T. GRCh37 (hg19) VCF-style: chr11-117667853-C-T.
Other names: c.-59G>A (NM_001367904.1); c.-362-16328G>A (NM_001367905.1).
Identifiers: ClinVar variation 2749094 (VCV002749094.3), dbSNP rs2496887717, ClinGen allele CA382762338.